The following is an entry in ClinVar:

ClinVar aggregate classification (germline): Conflicting classifications of pathogenicity. Review status: criteria provided, conflicting classifications (1 of 4 stars). 6 submissions from 6 submitters: Likely pathogenic (1); Uncertain significance (4). 1 of the submissions does not count toward it. Last evaluated 2026-08-11.

Conditions:
FGFR3-related chondrodysplasia. Identifiers: Orphanet 93420, MedGen C5681604, MONDO:0019685.
FGFR3-related disorder. Also called: FGFR3-related disorders.
Lacrimoauriculodentodigital syndrome 2 (LADD2). Also called: LADD SYNDROME 2. Identifiers: MedGen C5774286, MONDO:0859577, OMIM 620192.

Allele frequency attached by ClinVar (database versions not stated): gnomAD exomes below 0.00001; gnomAD 0.00001; TOPMed 0.00001.
gnomAD v4.1: 3 of 1,613,588 alleles (0.00019%); highest among the groups gnomAD compares: Middle Eastern, 0.016%; no homozygotes.

Submissions (6):

PreventionGenetics, part of Exact Sciences
Classification: Uncertain significance for FGFR3-related condition. Last evaluated: 2026-08-11. Review status: criteria provided, single submitter. Criteria: ACMG Guidelines, 2015. Collection method: clinical testing. Allele origin: germline.
Comment: The FGFR3 c.1882G>A variant is predicted to result in the amino acid substitution p.Asp628Asn. This variant was reported in the heterozygous state in an individual with lacrimo-auriculo-dento-digital syndrome (LADD, Talebi et al. 2017. PubMed ID: 28483234). This variant has not been reported in a large population database (gnomAD), indicating this variant is rare. Although we suspect that this variant may be pathogenic, at this time, the clinical significance of this variant is uncertain due to the absence of conclusive functional and genetic evidence.

Genomenon, Inc
Classification: Uncertain significance for FGFR3-related chondrodysplasia. Last evaluated: 2026-06-23. Review status: criteria provided, single submitter. Criteria: Genomenon Sequence Variant Interpretation Standards - Updated. Collection method: curation. Allele origin: germline. Affected: no.
Comment: FGFR3 p.Asp628Asn (c.1882G>A) is a missense variant that changes the amino acid at codon 628 from Aspartic acid to Asparagine. This variant has been reported in the published literature (PMID:28483234;32715658). It is absent or not present at a significant frequency in gnomAD. In conclusion, we classify FGFR3 p.Asp628Asn (c.1882G>A) as a variant of uncertain significance.

3billion
Classification: Uncertain significance for FGFR3-related disorder. Last evaluated: 2025-07-15. Review status: criteria provided, single submitter. Criteria: ACMG Guidelines, 2015. Collection method: clinical testing. Allele origin: germline. Affected: yes.
Comment: The variant is observed at an extremely low frequency in the gnomAD v4.1.0 dataset (total allele frequency: <0.001%). Predicted Consequence/Location: Missense variant. Missense changes are a common disease-causing mechanism. The same nucleotide change resulting in the same amino acid change has been previously reported to be associated with FGFR3-related disorder (ClinVar ID: VCV000545425 /PMID: 28483234). However, the evidence of pathogenicity is insufficient at this time. Therefore, this variant is classified as VUS according to the recommendation of ACMG/AMP guideline.

GeneDx
Classification: Uncertain significance. Last evaluated: 2024-11-15. Review status: criteria provided, single submitter. Criteria: GeneDx Variant Classification Process June 2021. Collection method: clinical testing. Allele origin: germline. Affected: yes.
Comment: Not observed at significant frequency in large population cohorts (gnomAD); In silico analysis indicates that this missense variant does not alter protein structure/function; This variant is associated with the following publications: (PMID: 28483234)

CeGaT Center for Human Genetics Tuebingen
Classification: Likely pathogenic. Last evaluated: 2024-07-01. Review status: criteria provided, single submitter. Criteria: CeGaT Center For Human Genetics Tuebingen Variant Classification Criteria Version 2. Collection method: clinical testing. Allele origin: germline. Affected: yes. Observed: 1 variant allele.
Comment: FGFR3: PM1, PM2, PP3, PS4:Supporting

OMIM
Classification: Pathogenic for LADD SYNDROME 2. Last evaluated: 2023-12-20. Review status: no assertion criteria provided. Collection method: literature only. Allele origin: germline. Not counted in ClinVar's aggregate classification.

Literature cited by the submitters: PubMed 28483234 (cited by 3 submitters); PubMed 32715658 (cited by Genomenon, Inc).

NM_000142.5(FGFR3):c.1882G>A (p.Asp628Asn)

Gene: FGFR3 (fibroblast growth factor receptor 3; plus strand). Cytogenetic location: 4p16.3.
Variant type: single nucleotide variant.
Coding change: c.1882G>A on transcript NM_000142.5 (MANE Select); coding-DNA position 1882, G replaced by A.
Protein change: p.Asp628Asn; replaces aspartic acid 628 with asparagine.
Molecular consequence: missense variant. On other transcripts: non-coding transcript variant (1).
Genome position (GRCh38, 1-based): chr4:1,806,096, G>A. VCF-style: chr4-1806096-G-A. GRCh37 (hg19) VCF-style: chr4-1807823-G-A.
Other names: c.1888G>A, p.Asp630Asn (NM_001163213.2); c.1885G>A, p.Asp629Asn (NM_001354809.2, NM_001354810.2); c.1546G>A, p.Asp516Asn (NM_022965.4); short protein forms D628N, D630N, D516N, D629N.
Identifiers: ClinVar variation 545425 (VCV000545425.22), dbSNP rs1453271838, ClinGen allele CA355982386.